The following is an entry in ClinVar:

NM_000317.3(PTS):c.151C>T (p.His51Tyr)

Gene: PTS (6-pyruvoyltetrahydropterin synthase; plus strand). Cytogenetic location: 11q23.1.
Variant type: single nucleotide variant.
Coding change: c.151C>T on transcript NM_000317.3 (MANE Select); coding-DNA position 151, C replaced by T.
Protein change: p.His51Tyr; replaces histidine 51 with tyrosine.
Molecular consequence: missense variant.
Genome position (GRCh38, 1-based): chr11:112,228,661, C>T. VCF-style: chr11-112228661-C-T. GRCh37 (hg19) VCF-style: chr11-112099384-C-T.
Other names: short protein forms H51Y.
Identifiers: ClinVar variation 663940 (VCV000663940.6), dbSNP rs780284884, ClinGen allele CA6278478.

ClinVar aggregate classification (germline): Uncertain significance (1 of 4 stars; one submission).

Conditions:
6-Pyruvoyl-tetrahydrobiopterin synthase deficiency. Also called: 6-Pyruvoyltetrahydropterin Synthase Deficiency; HYPERPHENYLALANINEMIA, TETRAHYDROBIOPTERIN-DEFICIENT, DUE TO PTS DEFICIENCY; Hyperphenylalanemia, BH4-deficient, A; Hyperphenylalaninemia due to 6-pyruvoyl-tetrahydropterin synthase deficiency; PTS DEFICIENCY; BH4-deficient hyperphenylalaninemia A. Identifiers: Orphanet 13, Orphanet 238583, MedGen C0878676, MONDO:0009863, OMIM 261640.

Allele frequency attached by ClinVar (database versions not stated): ExAC 0.00001; gnomAD exomes 0.00001; gnomAD 0.00003.
gnomAD v4.1: 12 of 1,610,188 alleles (0.00075%); highest among the groups gnomAD compares: East Asian, 0.0022%; no homozygotes.

Submission:

Labcorp Genetics (formerly Invitae), Labcorp
Classification: Uncertain significance for 6-Pyruvoyl-tetrahydrobiopterin synthase deficiency. Last evaluated: 2021-09-01. Review status: criteria provided, single submitter. Criteria: Invitae Variant Classification Sherloc (09022015). Collection method: clinical testing. Allele origin: germline.
Comment: This sequence change replaces histidine with tyrosine at codon 51 of the PTS protein (p.His51Tyr). The histidine residue is highly conserved and there is a moderate physicochemical difference between histidine and tyrosine. This variant is present in population databases (rs780284884, ExAC 0.02%). This variant has not been reported in the literature in individuals affected with PTS-related conditions. Algorithms developed to predict the effect of missense changes on protein structure and function (SIFT, PolyPhen-2, Align-GVGD) all suggest that this variant is likely to be disruptive. In summary, the available evidence is currently insufficient to determine the role of this variant in disease. Therefore, it has been classified as a Variant of Uncertain Significance.